The following is an entry in ClinVar:

ClinVar aggregate classification (germline): Uncertain significance. Review status: criteria provided, multiple submitters, no conflicts (2 of 4 stars). 5 submissions from 5 submitters: Uncertain significance (5). Last evaluated 2024-11-27.

Conditions:
Glycogen storage disease due to muscle beta-enolase deficiency (GSD13). Also called: Glycogen Storage Disease Type XIII; ENOLASE 3 DEFICIENCY; ENOLASE-BETA DEFICIENCY; GSD XIII. Identifiers: Orphanet 99849, MedGen C2752027, MONDO:0013046, OMIM 612932.

Allele frequency attached by ClinVar (database versions not stated): 1000 Genomes Project 30x 0.00016; 1000 Genomes Project 0.00020; gnomAD 0.00020 and 0.00021; TOPMed 0.00025; gnomAD exomes 0.00027 and 0.00028; ESP Exome Variant Server 0.00038; ExAC 0.00040.
gnomAD v4.1: 433 of 1,611,626 alleles (0.027%); highest among the groups gnomAD compares: Non-Finnish European, 0.033%; 1 homozygote.

Submissions (5):

Blueprint Genetics
Classification: Uncertain significance. Last evaluated: 2024-11-27. Review status: criteria provided, single submitter. Criteria: ACMG Guidelines, 2015. Collection method: clinical testing. Allele origin: germline.

ARUP Laboratories, Molecular Genetics and Genomics, ARUP Laboratories
Classification: Uncertain significance for Glycogen storage disease due to muscle beta-enolase deficiency. Last evaluated: 2023-12-19. Review status: criteria provided, single submitter. Criteria: ARUP Molecular Germline Variant Investigation Process 2024. Collection method: clinical testing. Allele origin: germline.
Comment: The ENO3 c.115G>A; p.Ala39Thr variant (rs141103742), to our knowledge, is not reported in the medical literature but is reported in ClinVar (Variation ID: 931059). This variant is found in the general population with an overall allele frequency of 0.026% (73/277,678 alleles) in the Genome Aggregation Database (v2.1.1). Computational analyses are uncertain whether this variant is neutral or deleterious (REVEL: 0.528). Due to limited information, the clinical significance of this variant is uncertain at this time.

Mayo Clinic Laboratories, Mayo Clinic
Classification: Uncertain significance. Last evaluated: 2023-07-05. Review status: criteria provided, single submitter. Criteria: ACMG Guidelines, 2015. Collection method: clinical testing. Allele origin: germline. Observed: 1 variant allele.

Labcorp Genetics (formerly Invitae), Labcorp
Classification: Uncertain significance for Glycogen storage disease due to muscle beta-enolase deficiency. Last evaluated: 2022-10-17. Review status: criteria provided, single submitter. Criteria: Invitae Variant Classification Sherloc (09022015). Collection method: clinical testing. Allele origin: germline.
Comment: This sequence change replaces alanine, which is neutral and non-polar, with threonine, which is neutral and polar, at codon 39 of the ENO3 protein (p.Ala39Thr). This variant is present in population databases (rs141103742, gnomAD 0.04%). This variant has not been reported in the literature in individuals affected with ENO3-related conditions. ClinVar contains an entry for this variant (Variation ID: 931059). Advanced modeling of protein sequence and biophysical properties (such as structural, functional, and spatial information, amino acid conservation, physicochemical variation, residue mobility, and thermodynamic stability) has been performed at Invitae for this missense variant, however the output from this modeling did not meet the statistical confidence thresholds required to predict the impact of this variant on ENO3 protein function. In summary, the available evidence is currently insufficient to determine the role of this variant in disease. Therefore, it has been classified as a Variant of Uncertain Significance.

Centre for Mendelian Genomics, University Medical Centre Ljubljana
Classification: Uncertain significance for Glycogen storage disease due to muscle beta-enolase deficiency. Last evaluated: 2019-07-04. Review status: criteria provided, single submitter. Criteria: ACMG Guidelines, 2015. Collection method: clinical testing. Allele origin: unknown. Affected: yes.
Comment: This variant was classified as: Uncertain significance. The available evidence on this variant's pathogenicity is insufficient or conflicting. The following ACMG criteria were applied in classifying this variant: PP3.

Literature cited by the submitters: PubMed 19472918 (cited by Mayo Clinic Laboratories, Mayo Clinic).

NM_053013.4(ENO3):c.115G>A (p.Ala39Thr)

Gene: ENO3 (enolase 3; plus strand). Cytogenetic location: 17p13.2.
Variant type: single nucleotide variant.
Coding change: c.115G>A on transcript NM_053013.4 (MANE Select); coding-DNA position 115, G replaced by A.
Protein change: p.Ala39Thr; replaces alanine 39 with threonine.
Molecular consequence: missense variant.
Genome position (GRCh38, 1-based): chr17:4,952,824, G>A. VCF-style: chr17-4952824-G-A. GRCh37 (hg19) VCF-style: chr17-4856119-G-A.
Other names: p.Ala39Thr; c.115G>A, p.Ala39Thr (NM_001193503.2, NM_001374523.1, NM_001976.5); c.142G>A, p.Ala48Thr (NM_001374524.1); short protein forms A39T, A48T.
Identifiers: ClinVar variation 931059 (VCV000931059.12), dbSNP rs141103742, ClinGen allele CA8316147.